The following is an entry in ClinVar:

NM_032043.3(BRIP1):c.2791C>G (p.Pro931Ala)

Gene: BRIP1 (BRCA1 interacting DNA helicase 1; minus strand). Cytogenetic location: 17q23.2.
Variant type: single nucleotide variant.
Coding change: c.2791C>G on transcript NM_032043.3 (MANE Select); coding-DNA position 2791, C replaced by G.
Protein change: p.Pro931Ala; replaces proline 931 with alanine.
Molecular consequence: missense variant.
Genome position (GRCh38, 1-based): chr17:61,685,950, G>C on the plus strand (C>G on the coding strand, the complement: BRIP1 is on the minus strand). VCF-style: chr17-61685950-G-C. GRCh37 (hg19) VCF-style: chr17-59763311-G-C.
Other names: short protein forms P931A.
Identifiers: ClinVar variation 3759052 (VCV003759052.2).

ClinVar aggregate classification (germline): Uncertain significance (1 of 4 stars; one submission).

Conditions:
Fanconi anemia complementation group J. Also called: BRIP1-Related Fanconi Anemia. Identifiers: Orphanet 84, MedGen C1836860, MONDO:0012187, OMIM 609054.
Familial cancer of breast. Also called: BREAST CANCER, FAMILIAL; Hereditary breast cancer; hereditary breast carcinoma. Identifiers: Orphanet 227535, MedGen C0346153, MONDO:0016419, OMIM 114480. Disease mechanism: loss of function.

Submission:

Labcorp Genetics (formerly Invitae), Labcorp
Classification: Uncertain significance for Familial cancer of breast; Fanconi anemia complementation group J. Last evaluated: 2024-10-28. Review status: criteria provided, single submitter. Criteria: Invitae Variant Classification Sherloc (09022015). Collection method: clinical testing. Allele origin: germline.
Comment: This sequence change replaces proline, which is neutral and non-polar, with alanine, which is neutral and non-polar, at codon 931 of the BRIP1 protein (p.Pro931Ala). This variant is not present in population databases (gnomAD no frequency). This variant has not been reported in the literature in individuals affected with BRIP1-related conditions. Invitae Evidence Modeling of protein sequence and biophysical properties (such as structural, functional, and spatial information, amino acid conservation, physicochemical variation, residue mobility, and thermodynamic stability) indicates that this missense variant is not expected to disrupt BRIP1 protein function with a negative predictive value of 95%. In summary, the available evidence is currently insufficient to determine the role of this variant in disease. Therefore, it has been classified as a Variant of Uncertain Significance.